The following is an entry in ClinVar:

ClinVar aggregate classification (germline): Uncertain significance (1 of 4 stars; one submission).

Conditions:
Cardiovascular phenotype. Identifiers: MedGen CN230736.

Submission:

Ambry Genetics
Classification: Uncertain significance for Cardiovascular phenotype. Last evaluated: 2026-07-17. Review status: criteria provided, single submitter. Criteria: Ambry Variant Classification Scheme 2023. Collection method: clinical testing. Allele origin: germline.
Comment: The p.N506K variant (also known as c.1518T>G), located in coding exon 11 of the VCL gene, results from a T to G substitution at nucleotide position 1518. The asparagine at codon 506 is replaced by lysine, an amino acid with similar properties. This amino acid position is conserved. In addition, this alteration is predicted to be tolerated by in silico analysis. Based on the available evidence, the clinical significance of this variant remains unclear.

NM_014000.3(VCL):c.1518T>G (p.Asn506Lys)

Gene: VCL (vinculin; plus strand). Cytogenetic location: 10q22.2.
Variant type: single nucleotide variant.
Coding change: c.1518T>G on transcript NM_014000.3 (MANE Select); coding-DNA position 1518, T replaced by G.
Protein change: p.Asn506Lys; replaces asparagine 506 with lysine.
Molecular consequence: missense variant.
Genome position (GRCh38, 1-based): chr10:74,094,436, T>G. VCF-style: chr10-74094436-T-G. GRCh37 (hg19) VCF-style: chr10-75854194-T-G.
Other names: c.1518T>G, p.Asn506Lys (NM_003373.4); short protein forms N506K.
Identifiers: ClinVar variation 5031680 (VCV005031680.1).